The following is an entry in ClinVar:

ClinVar aggregate classification (germline): Uncertain significance (1 of 4 stars; one submission).

Conditions:
Deficiency of aromatic-L-amino-acid decarboxylase. Also called: Aromatic L-Amino Acid Decarboxylase Deficiency; AADC DEFICIENCY; DDC DEFICIENCY; DOPA DECARBOXYLASE DEFICIENCY; Aromatic amino acid decarboxylase deficiency. Identifiers: Orphanet 35708, MedGen C1291564, MONDO:0012084, OMIM 608643.

Submission:

Labcorp Genetics (formerly Invitae), Labcorp
Classification: Uncertain significance for Deficiency of aromatic-L-amino-acid decarboxylase. Last evaluated: 2025-11-03. Review status: criteria provided, single submitter. Criteria: Invitae Variant Classification Sherloc (09022015). Collection method: clinical testing. Allele origin: germline.
Comment: This sequence change replaces alanine, which is neutral and non-polar, with serine, which is neutral and polar, at codon 131 of the DDC protein (p.Ala131Ser). This variant is not present in population databases (gnomAD no frequency). This variant has not been reported in the literature in individuals affected with DDC-related conditions. ClinVar contains an entry for this variant (Variation ID: 1487363). Invitae Evidence Modeling of protein sequence and biophysical properties (such as structural, functional, and spatial information, amino acid conservation, physicochemical variation, residue mobility, and thermodynamic stability) indicates that this missense variant is not expected to disrupt DDC protein function with a negative predictive value of 80%. In summary, the available evidence is currently insufficient to determine the role of this variant in disease. Therefore, it has been classified as a Variant of Uncertain Significance.

NM_001082971.2(DDC):c.391G>T (p.Ala131Ser)

Genes: DDC (dopa decarboxylase; minus strand), DDC-AS1 (DDC antisense RNA 1; plus strand). Cytogenetic location: 7p12.1.
Variant type: single nucleotide variant.
Coding change: c.391G>T on transcript NM_001082971.2 (MANE Select); coding-DNA position 391, G replaced by T.
Protein change: p.Ala131Ser; replaces alanine 131 with serine.
Molecular consequence: missense variant. On other transcripts: intron variant (1).
Genome position (GRCh38, 1-based): chr7:50,537,904, C>A on the plus strand (G>T on the coding strand, the complement: DDC is on the minus strand). VCF-style: chr7-50537904-C-A. GRCh37 (hg19) VCF-style: chr7-50605602-C-A.
Other names: c.391G>T, p.Ala131Ser (NM_000790.4, NM_001242887.2, NM_001242889.2 and 1 more transcripts); c.277G>T, p.Ala93Ser (NM_001242886.2); c.201+5981G>T (NM_001242888.2); short protein forms A131S, A93S.
Identifiers: ClinVar variation 1487363 (VCV001487363.8), dbSNP rs2044471850, ClinGen allele CA367528046.